The following is an entry in ClinVar:

ClinVar aggregate classification (germline): Pathogenic (1 of 4 stars; one submission).

Conditions:
Duchenne muscular dystrophy (DMD). Also called: MUSCULAR DYSTROPHY, PSEUDOHYPERTROPHIC PROGRESSIVE, DUCHENNE TYPE; Duchenne Muscular Dystrophy (DMD). Identifiers: Orphanet 98896, MedGen C0013264, MONDO:0010679, OMIM 310200.

Submission:

Labcorp Genetics (formerly Invitae), Labcorp
Classification: Pathogenic for Duchenne muscular dystrophy. Last evaluated: 2026-01-14. Review status: criteria provided, single submitter. Criteria: Invitae Variant Classification Sherloc (09022015). Collection method: clinical testing. Allele origin: germline.
Comment: This sequence change affects a donor splice site in intron 5 of the DMD gene. It is expected to disrupt RNA splicing. Variants that disrupt the donor or acceptor splice site typically lead to a loss of protein function (PMID: 16199547), and loss-of-function variants in DMD are known to be pathogenic (PMID: 16770791, 25007885). This variant is not present in population databases (gnomAD no frequency). Disruption of this splice site has been observed in individuals with DMD-related conditions (PMID: 12359139, 17041906). Algorithms developed to predict the effect of sequence changes on RNA splicing suggest that this variant may disrupt the consensus splice site. For these reasons, this variant has been classified as Pathogenic.

Literature cited by the submitters: PubMed 16199547; PubMed 16770791; PubMed 25007885; PubMed 12359139; PubMed 17041906.

NM_004006.3(DMD):c.357+1G>C

Gene: DMD (dystrophin; minus strand). Cytogenetic location: Xp21.1.
Variant type: single nucleotide variant.
Coding change: c.357+1G>C on transcript NM_004006.3 (MANE Select); the canonical splice donor site of the intron after coding-DNA position 357, G replaced by C.
Molecular consequence: splice donor variant.
Genome position (GRCh38, 1-based): chrX:32,823,294, C>G on the plus strand (G>C on the coding strand, the complement: DMD is on the minus strand). VCF-style: chrX-32823294-C-G. GRCh37 (hg19) VCF-style: chrX-32841411-C-G.
Other names: c.333+1G>C (NM_000109.4); c.345+1G>C (NM_004009.3); c.-13+1G>C (NM_004010.3).
Identifiers: ClinVar variation 4710705 (VCV004710705.1).